The following is an entry in ClinVar:

ClinVar aggregate classification (germline): Uncertain significance. Review status: criteria provided, multiple submitters, no conflicts (2 of 4 stars). 2 submissions from 2 submitters: Uncertain significance (2). Last evaluated 2024-05-06.

Conditions:
Hereditary cancer-predisposing syndrome. Also called: Neoplastic Syndromes, Hereditary; Tumor predisposition; Hereditary Cancer Syndrome; Hereditary neoplastic syndrome. Identifiers: Orphanet 140162, MedGen C0027672, MeSH D009386, MONDO:0015356.
Familial adenomatous polyposis 1 (FAP1). Also called: FAMILIAL ADENOMATOUS POLYPOSIS 1, ATTENUATED; POLYPOSIS, ADENOMATOUS INTESTINAL. Identifiers: MedGen C2713442, MONDO:0021056, OMIM 175100. Disease mechanism: loss of function.

Allele frequency attached by ClinVar (database versions not stated): gnomAD exomes below 0.00001.
gnomAD v4.1: 1 of 1,614,012 alleles (0.000062%); highest among the groups gnomAD compares: Non-Finnish European, 0.000085%; no homozygotes.

Submissions (2):

Labcorp Genetics (formerly Invitae), Labcorp
Classification: Uncertain significance for Familial adenomatous polyposis 1. Last evaluated: 2024-05-06. Review status: criteria provided, single submitter. Criteria: Invitae Variant Classification Sherloc (09022015). Collection method: clinical testing. Allele origin: germline.
Comment: This sequence change replaces serine, which is neutral and polar, with asparagine, which is neutral and polar, at codon 1163 of the APC protein (p.Ser1163Asn). This variant is not present in population databases (gnomAD no frequency). This variant has not been reported in the literature in individuals affected with APC-related conditions. ClinVar contains an entry for this variant (Variation ID: 1731894). Advanced modeling of protein sequence and biophysical properties (such as structural, functional, and spatial information, amino acid conservation, physicochemical variation, residue mobility, and thermodynamic stability) performed at Invitae indicates that this missense variant is not expected to disrupt APC protein function with a negative predictive value of 95%. In summary, the available evidence is currently insufficient to determine the role of this variant in disease. Therefore, it has been classified as a Variant of Uncertain Significance.

Ambry Genetics
Classification: Uncertain significance for Hereditary cancer-predisposing syndrome. Last evaluated: 2020-07-31. Review status: criteria provided, single submitter. Criteria: Ambry Variant Classification Scheme 2023. Collection method: clinical testing. Allele origin: germline.
Comment: The p.S1163N variant (also known as c.3488G>A), located in coding exon 15 of the APC gene, results from a G to A substitution at nucleotide position 3488. The serine at codon 1163 is replaced by asparagine, an amino acid with highly similar properties. This amino acid position is well conserved in available vertebrate species. In addition, in silico predictors for this gene do not accurately predict pathogenicity. Since supporting evidence is limited at this time, the clinical significance of this alteration remains unclear.

NM_000038.6(APC):c.3488G>A (p.Ser1163Asn)

Gene: APC (APC regulator of Wnt signaling pathway; plus strand). Cytogenetic location: 5q22.2.
Variant type: single nucleotide variant.
Coding change: c.3488G>A on transcript NM_000038.6 (MANE Select); coding-DNA position 3488, G replaced by A.
Protein change: p.Ser1163Asn; replaces serine 1163 with asparagine.
Molecular consequence: missense variant.
Genome position (GRCh38, 1-based): chr5:112,839,082, G>A. VCF-style: chr5-112839082-G-A. GRCh37 (hg19) VCF-style: chr5-112174779-G-A.
Other names: c.3488G>A, p.Ser1163Asn (NM_001127510.3, NM_001354895.2, NM_001407450.1); c.3434G>A, p.Ser1145Asn (NM_001127511.3); c.3542G>A, p.Ser1181Asn (NM_001354896.2, NM_001407447.1, NM_001407448.1 and 1 more transcripts); c.3518G>A, p.Ser1173Asn (NM_001354897.2); c.3413G>A, p.Ser1138Asn (NM_001354898.2); c.3404G>A, p.Ser1135Asn (NM_001354899.2); c.3365G>A, p.Ser1122Asn (NM_001354900.2); c.3311G>A, p.Ser1104Asn (NM_001354901.2, NM_001407453.1); and 11 more; short protein forms S1072N, S1163N, S779N, S1003N, S1037N, S1104N, S1173N, S1034N.
Identifiers: ClinVar variation 1731894 (VCV001731894.4), dbSNP rs1580636114, ClinGen allele CA16028987.